The following is an entry in ClinVar:

ClinVar aggregate classification (germline): Conflicting classifications of pathogenicity. Review status: criteria provided, conflicting classifications (1 of 4 stars). 3 submissions from 3 submitters: Uncertain significance (1); Likely benign (2). Last evaluated 2025-08-18.

Conditions:
CFAP298-related disorder. Also called: CFAP298-related condition.

Allele frequency attached by ClinVar (database versions not stated): gnomAD 0.00002 and 0.00004; TOPMed 0.00006.
gnomAD v4.1: 49 of 1,613,114 alleles (0.003%); highest among the groups gnomAD compares: Admixed American, 0.012%; no homozygotes.

Submissions (3):

Labcorp Genetics (formerly Invitae), Labcorp
Classification: Likely benign. Last evaluated: 2025-08-18. Review status: criteria provided, single submitter. Criteria: Invitae Variant Classification Sherloc (09022015). Collection method: clinical testing. Allele origin: germline.

PreventionGenetics, part of Exact Sciences
Classification: Uncertain significance for CFAP298-related condition. Last evaluated: 2025-03-12. Review status: criteria provided, single submitter. Criteria: ACMG Guidelines, 2015. Collection method: clinical testing. Allele origin: germline.
Comment: The CFAP298 c.776G>A variant is predicted to result in the amino acid substitution p.Arg259Lys. To our knowledge, this variant has not been reported in the literature. This variant is reported in 0.014% of alleles in individuals of Latino descent in gnomAD. At this time, the clinical significance of this variant is uncertain due to the absence of conclusive functional and genetic evidence.

Blueprint Genetics
Classification: Likely benign. Last evaluated: 2024-09-09. Review status: criteria provided, single submitter. Criteria: ACMG Guidelines, 2015. Collection method: clinical testing. Allele origin: germline.

NM_021254.4(CFAP298):c.762+14G>A

Genes: CFAP298 (cilia and flagella associated protein 298; minus strand), CFAP298-TCP10L (CFAP298-TCP10L readthrough; minus strand). Cytogenetic location: 21q22.11.
Variant type: single nucleotide variant.
Coding change: c.762+14G>A on transcript NM_021254.4 (MANE Select); 14 bases into the intron after coding-DNA position 762, G replaced by A.
Molecular consequence: intron variant. On other transcripts: 3 prime UTR variant (1), missense variant (1).
Genome position (GRCh38, 1-based): chr21:32,602,258, C>T on the plus strand (G>A on the coding strand, the complement: CFAP298 is on the minus strand). VCF-style: chr21-32602258-C-T. GRCh37 (hg19) VCF-style: chr21-33974568-C-T.
Other names: c.*831G>A (NM_001350335.2); c.776G>A, p.Arg259Lys (NM_001350337.2); c.666+903G>A (NM_001350338.2); c.465+14G>A (NM_001350334.2); c.667-285G>A (NM_001350336.2); c.776G>A (NM_001350337.1); short protein forms R259K.
Identifiers: ClinVar variation 1591630 (VCV001591630.10), dbSNP rs768339606, ClinGen allele CA10002729.
Genomic context (GRCh38, chr21:32,602,258, plus strand): 5'-CAGCAGCCCCAGGTAAGGCACACAGGCTATGTGTGGGCGCCAGCACTGCAGAAAGCCCAT[C>T]TGTCCCCTGCTACCTTGAGCTCCTCTTGTCTTCTGTGATAGTACAGCATCAGCTGCTTCT-3'